The following is an entry in ClinVar:

ClinVar aggregate classification (germline): Uncertain significance. Review status: criteria provided, multiple submitters, no conflicts (2 of 4 stars). 2 submissions from 2 submitters: Uncertain significance (2). Last evaluated 2024-01-11.

Conditions:
Atrioventricular septal defect 5 (AVSD5). Identifiers: MedGen C3280939, MONDO:0013769, OMIM 614474.

Submissions (2):

GeneDx
Classification: Uncertain significance. Last evaluated: 2024-01-11. Review status: criteria provided, single submitter. Criteria: GeneDx Variant Classification Process June 2021. Collection method: clinical testing. Allele origin: germline. Affected: yes.
Comment: Not observed at significant frequency in large population cohorts (gnomAD); In silico analysis supports that this missense variant does not alter protein structure/function; Has not been previously published as pathogenic or benign to our knowledge

Labcorp Genetics (formerly Invitae), Labcorp
Classification: Uncertain significance for Atrioventricular septal defect 5. Last evaluated: 2023-11-04. Review status: criteria provided, single submitter. Criteria: Invitae Variant Classification Sherloc (09022015). Collection method: clinical testing. Allele origin: germline.
Comment: This sequence change replaces serine, which is neutral and polar, with tryptophan, which is neutral and slightly polar, at codon 229 of the GATA6 protein (p.Ser229Trp). This variant is not present in population databases (gnomAD no frequency). This variant has not been reported in the literature in individuals affected with GATA6-related conditions. ClinVar contains an entry for this variant (Variation ID: 1407653). Advanced modeling of protein sequence and biophysical properties (such as structural, functional, and spatial information, amino acid conservation, physicochemical variation, residue mobility, and thermodynamic stability) performed at Invitae indicates that this missense variant is not expected to disrupt GATA6 protein function with a negative predictive value of 80%. In summary, the available evidence is currently insufficient to determine the role of this variant in disease. Therefore, it has been classified as a Variant of Uncertain Significance.

NM_005257.6(GATA6):c.686C>G (p.Ser229Trp)

Gene: GATA6 (GATA binding protein 6; plus strand). Cytogenetic location: 18q11.2.
Variant type: single nucleotide variant.
Coding change: c.686C>G on transcript NM_005257.6 (MANE Select); coding-DNA position 686, C replaced by G.
Protein change: p.Ser229Trp; replaces serine 229 with tryptophan.
Molecular consequence: missense variant.
Genome position (GRCh38, 1-based): chr18:22,171,830, C>G. VCF-style: chr18-22171830-C-G. GRCh37 (hg19) VCF-style: chr18-19751791-C-G.
Other names: c.686C>G (NM_005257.4); short protein forms S229W.
Identifiers: ClinVar variation 1407653 (VCV001407653.7), dbSNP rs1420896186, ClinGen allele CA401800495.